The following is an entry in ClinVar:

ClinVar aggregate classification (germline): Uncertain significance. Review status: criteria provided, multiple submitters, no conflicts (2 of 4 stars). 2 submissions from 2 submitters: Uncertain significance (2). Last evaluated 2022-11-29.

Conditions:
Autosomal dominant spastic paraplegia type 9. Identifiers: MedGen C1832669, MONDO:0015091.
de Barsy syndrome. Also called: Cutis laxa-corneal clouding-oligophrenia syndrome. Identifiers: Orphanet 2962, MedGen C0268354, MONDO:0017569.
Cutis laxa, autosomal dominant 3 (ADCL3). Identifiers: Orphanet 90348, MedGen C4225268, MONDO:0014706, OMIM 616603.

gnomAD v4.1: 31 of 1,613,190 alleles (0.0019%); highest among the groups gnomAD compares: Non-Finnish European, 0.0024%; no homozygotes.

Submissions (2):

Labcorp Genetics (formerly Invitae), Labcorp
Classification: Uncertain significance for Autosomal dominant spastic paraplegia type 9; de Barsy syndrome; Cutis laxa, autosomal dominant 3. Last evaluated: 2022-11-29. Review status: criteria provided, single submitter. Criteria: Invitae Variant Classification Sherloc (09022015). Collection method: clinical testing. Allele origin: germline.
Comment: This variant has not been reported in the literature in individuals affected with ALDH18A1-related conditions. ClinVar contains an entry for this variant (Variation ID: 1309736). Algorithms developed to predict the effect of missense changes on protein structure and function are either unavailable or do not agree on the potential impact of this missense change (SIFT: "Deleterious"; PolyPhen-2: "Benign"; Align-GVGD: "Class C0"). In summary, the available evidence is currently insufficient to determine the role of this variant in disease. Therefore, it has been classified as a Variant of Uncertain Significance. This variant is present in population databases (rs753553298, gnomAD 0.003%). This sequence change replaces arginine, which is basic and polar, with proline, which is neutral and non-polar, at codon 7 of the ALDH18A1 protein (p.Arg7Pro).

GeneDx
Classification: Uncertain significance. Last evaluated: 2019-10-29. Review status: criteria provided, single submitter. Criteria: GeneDx Variant Classification Process June 2021. Collection method: clinical testing. Allele origin: germline. Affected: yes.
Comment: Has not been previously published as pathogenic or benign to our knowledge; Not observed at a significant frequency in large population cohorts (Lek et al., 2016); In silico analysis, which includes protein predictors and evolutionary conservation, supports that this variant does not alter protein structure/function

NM_002860.4(ALDH18A1):c.20G>C (p.Arg7Pro)

Gene: ALDH18A1 (aldehyde dehydrogenase 18 family member A1; minus strand). Cytogenetic location: 10q24.1.
Variant type: single nucleotide variant.
Coding change: c.20G>C on transcript NM_002860.4 (MANE Select); coding-DNA position 20, G replaced by C.
Protein change: p.Arg7Pro; replaces arginine 7 with proline.
Molecular consequence: missense variant. On other transcripts: 5 prime UTR variant (4).
Genome position (GRCh38, 1-based): chr10:95,653,358, C>G on the plus strand (G>C on the coding strand, the complement: ALDH18A1 is on the minus strand). VCF-style: chr10-95653358-C-G. GRCh37 (hg19) VCF-style: chr10-97413115-C-G.
Other names: c.20G>C, p.Arg7Pro (NM_001017423.2, NM_001323413.2, NM_001323414.2 and 2 more transcripts); c.-99G>C (NM_001323412.2, NM_001323416.2, NM_001323418.2); c.-147G>C (NM_001323419.2); short protein forms R7P.
Identifiers: ClinVar variation 1309736 (VCV001309736.5), dbSNP rs753553298, ClinGen allele CA5620713.
Genomic context (GRCh38, chr10:95,653,358, plus strand): 5'-AAGACGGTTGTACACTTGACCCAGGGCAGAAGATGTTGGTTGAAGGGCTGGAACCCACAG[C>G]GGTAAACTTGACTCAACATGCTGCGATGTGGTCACTAACCAAAGTATCTGCAGAATACAT-3'
Protein context (NP_002851.2, residues 1-17): MLSQVY[Arg7Pro]CGFQPFNQHL